The following is an entry in ClinVar:

NM_001105206.3(LAMA4):c.3175G>A (p.Val1059Met)

Gene: LAMA4 (laminin subunit alpha 4; minus strand). Cytogenetic location: 6q21.
Variant type: single nucleotide variant.
Coding change: c.3175G>A on transcript NM_001105206.3 (MANE Select); coding-DNA position 3175, G replaced by A.
Protein change: p.Val1059Met; replaces valine 1059 with methionine.
Molecular consequence: missense variant.
Genome position (GRCh38, 1-based): chr6:112,139,227, C>T on the plus strand (G>A on the coding strand, the complement: LAMA4 is on the minus strand). VCF-style: chr6-112139227-C-T. GRCh37 (hg19) VCF-style: chr6-112460429-C-T.
Other names: p.V1052M:GTG>ATG; c.3154G>A, p.Val1052Met (NM_001105207.3, NM_002290.5); short protein forms V1052M, V1059M.
Identifiers: ClinVar variation 44373 (VCV000044373.26), dbSNP rs373650093, ClinGen allele CA237257.

ClinVar aggregate classification (germline): Conflicting classifications of pathogenicity. Review status: criteria provided, conflicting classifications (1 of 4 stars). 9 submissions from 9 submitters: Uncertain significance (2); Benign (3); Likely benign (3). 1 of the submissions does not count toward it. Last evaluated 2025-05-28.

Conditions:
LAMA4-related disorder. Also called: LAMA4-related condition.
Cardiovascular phenotype. Identifiers: MedGen CN230736.
Dilated cardiomyopathy 1JJ (CMD1JJ). Identifiers: Orphanet 154, MedGen C3808935, MONDO:0014095, OMIM 615235.
Cardiomyopathy (CMYO). Also called: Cardiomyopathies. Identifiers: Orphanet 167848, MedGen C0878544, MONDO:0004994, HP:0001638. Inheritance: Various modes of inheritance.
Premature ventricular contraction. Also called: Ventricular extrasystoles. Identifiers: MedGen C0151636, HP:0006682.

Allele frequency attached by ClinVar (database versions not stated): ESP Exome Variant Server 0.00008; TOPMed 0.00010; gnomAD 0.00016; 1000 Genomes Project 30x 0.00297; 1000 Genomes Project 0.00319.

Submissions (9):

Labcorp Genetics (formerly Invitae), Labcorp
Classification: Benign for Dilated cardiomyopathy 1JJ. Last evaluated: 2025-05-28. Review status: criteria provided, single submitter. Criteria: Invitae Variant Classification Sherloc (09022015). Collection method: clinical testing. Allele origin: germline.

Women's Health and Genetics/Laboratory Corporation of America, LabCorp
Classification: Likely benign. Last evaluated: 2023-08-19. Review status: criteria provided, single submitter. Criteria: LabCorp Variant Classification Summary - May 2015. Collection method: clinical testing. Allele origin: germline.

Center for Advanced Laboratory Medicine, UC San Diego Health, University of California San Diego
Classification: Likely benign for Premature ventricular contraction. Last evaluated: 2018-11-22. Review status: criteria provided, single submitter. Criteria: ACMG Guidelines, 2015. Collection method: clinical testing. Allele origin: germline. Affected: yes. Observed: 1 variant allele.

CHEO Genetics Diagnostic Laboratory, Children's Hospital of Eastern Ontario
Classification: Benign for Cardiomyopathy. Last evaluated: 2018-07-30. Review status: criteria provided, single submitter. Criteria: ACMG Guidelines, 2015. Collection method: clinical testing. Allele origin: germline.

Ambry Genetics
Classification: Likely benign for Cardiovascular phenotype. Last evaluated: 2017-01-05. Review status: criteria provided, single submitter. Criteria: Ambry Variant Classification Scheme 2023. Collection method: clinical testing. Allele origin: germline.

GeneDx
Classification: Benign. Last evaluated: 2016-04-07. Review status: criteria provided, single submitter. Criteria: GeneDx Variant Classification (06012015). Collection method: clinical testing. Allele origin: germline. Affected: yes.
Comment: This variant is considered likely benign or benign based on one or more of the following criteria: it is a conservative change, it occurs at a poorly conserved position in the protein, it is predicted to be benign by multiple in silico algorithms, and/or has population frequency not consistent with disease.

Biesecker Lab/Clinical Genomics Section, National Institutes of Health
Classification: Uncertain significance. Last evaluated: 2013-06-24. Review status: criteria provided, single submitter. Criteria: Ng et al. (Circ Cardiovasc Genet. 2013). Collection method: research. Allele origin: unknown. Observed: 1 variant allele. Study: ClinSeq.
Comment: The study set was not selected for affection status in relation to any cancer. Pathogenicity categories were based on literature curation. See Pubmed ID:23861362 for details.

Medical sequencing

Laboratory for Molecular Medicine, Mass General Brigham Personalized Medicine
Classification: Uncertain significance. Last evaluated: 2013-06-07. Review status: criteria provided, single submitter. Criteria: LMM Criteria. Collection method: clinical testing. Allele origin: germline. Observed: 2 variant alleles.
Comment: Variant classified as Uncertain Significance - Favor Benign. Valine (Val) at position 1052 is not conserved in mammals or evolutionarily distant species and one mammal (armadillo) carries a methionine (Met; this variant), suggesting that this change may be tolerated. Additional computational analyses (biochemica l amino acid properties, AlignGVGD, PolyPhen2) also suggest that this variant ma y not impact the protein, though this information is not predictive enough to ru le out pathogenicity. Although collectively this information supports that the V al1052Met variant is more likely benign, additional studies are needed to fully assess its clinical significance.

PreventionGenetics, part of Exact Sciences
Classification: Benign for LAMA4-related condition. Last evaluated: 2024-04-04. Review status: no assertion criteria provided. Collection method: clinical testing. Allele origin: germline. Not counted in ClinVar's aggregate classification.
Comment: This variant is classified as benign based on ACMG/AMP sequence variant interpretation guidelines (Richards et al. 2015 PMID: 25741868, with internal and published modifications).